The following is an entry in ClinVar:

NM_001009944.3(PKD1):c.12448del (p.Arg4150fs)

Gene: PKD1 (polycystin 1, transient receptor potential channel interacting; minus strand). Cytogenetic location: 16p13.3.
Variant type: Deletion.
Coding change: c.12448del on transcript NM_001009944.3 (MANE Select); coding-DNA position 12448, one base deleted (C; older notation c.12448delC).
Protein change: p.Arg4150fs; shifts the reading frame from arginine 4150.
Molecular consequence: frameshift variant.
Genome position (GRCh38, 1-based): chr16:2,090,191, G deleted on the plus strand (C on the coding strand, the reverse complement: PKD1 is on the minus strand); the first of 2 consecutive G bases (chr16:2,090,191-2,090,192); deleting either gives the same sequence. VCF-style (leftmost placement, unchanged base first): chr16-2090190-CG-C. GRCh37 (hg19) VCF-style: chr16-2140191-CG-C.
Other names: c.12448delC (NM_001009944.2); c.12445del, p.Arg4149fs (NM_000296.4); short protein forms R4150fs, R4149fs.
Identifiers: ClinVar variation 4997247 (VCV004997247.1).

ClinVar aggregate classification (germline): Pathogenic (1 of 4 stars; one submission).

Conditions:
PKD1-related disorder. Also called: PKD1-related condition.

Submission:

PreventionGenetics, part of Exact Sciences
Classification: Pathogenic for PKD1-related condition. Last evaluated: 2024-10-17. Review status: criteria provided, single submitter. Criteria: ACMG Guidelines, 2015. Collection method: clinical testing. Allele origin: germline.
Comment: The PKD1 c.12448delC variant is predicted to result in a frameshift and premature protein termination (p.Arg4150Alafs*48). This variant has been reported in an individual with ADPKD (Table 1. Mizuno et al. 2024. PubMed ID: 38689396). This variant has not been reported in a large population database (gnomAD), indicating this variant is rare. This frameshift variant is located in the last exon of PKD1 gene. Multiple loss of function variants downstream of this variant have been reported in association with ADPKD ( see for example, p.Cys4208* from Audrézet et al. 2012. PubMed ID: 22508176; p.Glu4240* from Groopman et al. 2019. PubMed ID: 30586318). This variant is interpreted as pathogenic.